The following is an entry in ClinVar:

NM_014753.4(BMS1):c.163C>G (p.Arg55Gly)

Gene: BMS1 (BMS1 ribosome biogenesis factor; plus strand). Cytogenetic location: 10q11.21.
Variant type: single nucleotide variant.
Coding change: c.163C>G on transcript NM_014753.4 (MANE Select); coding-DNA position 163, C replaced by G.
Protein change: p.Arg55Gly; replaces arginine 55 with glycine.
Molecular consequence: missense variant.
Genome position (GRCh38, 1-based): chr10:42,784,557, C>G. VCF-style: chr10-42784557-C-G. GRCh37 (hg19) VCF-style: chr10-43280005-C-G.
Other names: short protein forms R55G.
Identifiers: ClinVar variation 3992245 (VCV003992245.2).

ClinVar aggregate classification (germline): Uncertain significance. Review status: criteria provided, multiple submitters, no conflicts (2 of 4 stars). 2 submissions from 2 submitters: Uncertain significance (2). Last evaluated 2026-06-27.

Conditions:
BMS1-related disorder. Also called: BMS1-related condition.

gnomAD v4.1: 43 of 1,611,848 alleles (0.0027%); highest among the groups gnomAD compares: Middle Eastern, 0.15%; no homozygotes.

Submissions (2):

PreventionGenetics, part of Exact Sciences
Classification: Uncertain significance for BMS1-related condition. Last evaluated: 2026-06-27. Review status: criteria provided, single submitter. Criteria: ACMG Guidelines, 2015. Collection method: clinical testing. Allele origin: germline.
Comment: The BMS1 c.163C>G variant is predicted to result in the amino acid substitution p.Arg55Gly. To our knowledge, this variant has not been reported in the literature. This variant is reported in 0.0089% of alleles in individuals of Latino descent in gnomAD. At this time, the clinical significance of this variant is uncertain due to the absence of conclusive functional and genetic evidence.

Ambry Genetics
Classification: Uncertain significance. Last evaluated: 2025-05-16. Review status: criteria provided, single submitter. Criteria: Ambry Variant Classification Scheme 2023. Collection method: clinical testing. Allele origin: germline.